The following is an entry in ClinVar:

NM_001904.4(CTNNB1):c.482A>G (p.Asn161Ser)

Genes: CTNNB1 (catenin beta 1; plus strand), LOC126806658 (BRD4-independent group 4 enhancer GRCh37_chr3:41265899-41267098; plus strand). Cytogenetic location: 3p22.1.
Variant type: single nucleotide variant.
Coding change: c.482A>G on transcript NM_001904.4 (MANE Select); coding-DNA position 482, A replaced by G.
Protein change: p.Asn161Ser; replaces asparagine 161 with serine.
Molecular consequence: missense variant.
Genome position (GRCh38, 1-based): chr3:41,225,194, A>G. VCF-style: chr3-41225194-A-G. GRCh37 (hg19) VCF-style: chr3-41266685-A-G.
Other names: c.482A>G, p.Asn161Ser (NM_001098209.2, NM_001098210.2); c.461A>G, p.Asn154Ser (NM_001330729.2); short protein forms N154S, N161S.
Identifiers: ClinVar variation 3689804 (VCV003689804.2).

ClinVar aggregate classification (germline): Uncertain significance (1 of 4 stars; one submission).

Submission:

Labcorp Genetics (formerly Invitae), Labcorp
Classification: Uncertain significance. Last evaluated: 2024-05-27. Review status: criteria provided, single submitter. Criteria: Invitae Variant Classification Sherloc (09022015). Collection method: clinical testing. Allele origin: germline.
Comment: This sequence change replaces asparagine, which is neutral and polar, with serine, which is neutral and polar, at codon 161 of the CTNNB1 protein (p.Asn161Ser). This variant is not present in population databases (gnomAD no frequency). This variant has not been reported in the literature in individuals affected with CTNNB1-related conditions. Advanced modeling of protein sequence and biophysical properties (such as structural, functional, and spatial information, amino acid conservation, physicochemical variation, residue mobility, and thermodynamic stability) performed at Invitae indicates that this missense variant is not expected to disrupt CTNNB1 protein function with a negative predictive value of 80%. In summary, the available evidence is currently insufficient to determine the role of this variant in disease. Therefore, it has been classified as a Variant of Uncertain Significance.